The following is an entry in ClinVar:

NM_007259.5(VPS45):c.671C>A (p.Thr224Asn)

Gene: VPS45 (vacuolar protein sorting 45 homolog; plus strand). Cytogenetic location: 1q21.2.
Variant type: single nucleotide variant.
Coding change: c.671C>A on transcript NM_007259.5 (MANE Select); coding-DNA position 671, C replaced by A.
Protein change: p.Thr224Asn; replaces threonine 224 with asparagine.
Molecular consequence: missense variant. On other transcripts: non-coding transcript variant (1).
Genome position (GRCh38, 1-based): chr1:150,077,763, C>A. VCF-style: chr1-150077763-C-A. GRCh37 (hg19) VCF-style: chr1-150049841-C-A.
Other names: c.356C>A, p.Thr119Asn (NM_001279353.2); c.563C>A, p.Thr188Asn (NM_001279354.2); short protein forms T224N, T119N, T188N.
Identifiers: ClinVar variation 55906 (VCV000055906.12), dbSNP rs879255237, ClinGen allele CA10575583.

ClinVar aggregate classification (germline): Pathogenic. Review status: criteria provided, multiple submitters, no conflicts (2 of 4 stars). 4 submissions from 4 submitters: Pathogenic (3). 1 of the submissions does not count toward it. Last evaluated 2025-09-09.

Conditions:
Severe congenital neutropenia (SCN). Identifiers: Orphanet 42738, MedGen C1853118, MONDO:0018542.
Congenital neutropenia-myelofibrosis-nephromegaly syndrome. Also called: Severe congenital neutropenia 5, autosomal recessive. Identifiers: Orphanet 369852, MedGen C3809031, MONDO:0014118, OMIM 615285.

Allele frequency attached by ClinVar (database versions not stated): gnomAD exomes below 0.00001.
gnomAD v4.1: 1 of 1,613,536 alleles (0.000062%); highest among the groups gnomAD compares: African/African-American, 0.0013%; no homozygotes.

Submissions (4):

Labcorp Genetics (formerly Invitae), Labcorp
Classification: Pathogenic for Congenital neutropenia-myelofibrosis-nephromegaly syndrome. Last evaluated: 2025-09-09. Review status: criteria provided, single submitter. Criteria: Invitae Variant Classification Sherloc (09022015). Collection method: clinical testing. Allele origin: germline.
Comment: This sequence change replaces threonine, which is neutral and polar, with asparagine, which is neutral and polar, at codon 224 of the VPS45 protein (p.Thr224Asn). This variant is not present in population databases (gnomAD no frequency). This missense change has been observed in individuals with severe congenital neutropenia (PMID: 23599270, 23738510). It has also been observed to segregate with disease in related individuals. ClinVar contains an entry for this variant (Variation ID: 55906). Invitae Evidence Modeling of protein sequence and biophysical properties (such as structural, functional, and spatial information, amino acid conservation, physicochemical variation, residue mobility, and thermodynamic stability) indicates that this missense variant is expected to disrupt VPS45 protein function with a positive predictive value of 80%. Experimental studies have shown that this missense change affects VPS45 function (PMID: 23599270). For these reasons, this variant has been classified as Pathogenic.

Women's Health and Genetics/Laboratory Corporation of America, LabCorp
Classification: Pathogenic for Severe congenital neutropenia. Last evaluated: 2025-04-21. Review status: criteria provided, single submitter. Criteria: LabCorp Variant Classification Summary - May 2015. Collection method: clinical testing. Allele origin: germline.
Comment: Variant summary: VPS45 c.671C>A (p.Thr224Asn) results in a non-conservative amino acid change in the encoded protein sequence. Five of five in-silico tools predict a damaging effect of the variant on protein function. The variant was absent in 251298 control chromosomes (gnomAD). c.671C>A has been observed in multiple individuals affected with Severe Congenital Neutropenia (e.g., Vilboux_2013). These data indicate that the variant is very likely to be associated with disease. At least one publication reports experimental evidence evaluating an impact on protein function, finding that the variant reusults in reduced protein localization and altered cellular localization (Vilboux_2013). The following publication has been ascertained in the context of this evaluation (PMID: 23738510). ClinVar contains an entry for this variant (Variation ID: 55906). Based on the evidence outlined above, the variant was classified as pathogenic.

Revvity Omics, Revvity
Classification: Pathogenic for Congenital neutropenia-myelofibrosis-nephromegaly syndrome. Last evaluated: 2023-06-19. Review status: criteria provided, single submitter. Criteria: ACMG Guidelines, 2015. Collection method: clinical testing. Allele origin: germline.

OMIM
Classification: Pathogenic for NEUTROPENIA, SEVERE CONGENITAL, 5, AUTOSOMAL RECESSIVE. Last evaluated: 2013-07-04. Review status: no assertion criteria provided. Collection method: literature only. Allele origin: germline. Not counted in ClinVar's aggregate classification.

Literature cited by the submitters: PubMed 23599270 (cited by Labcorp Genetics (formerly Invitae), Labcorp and OMIM); PubMed 23738510 (cited by 3 submitters).